The following is an entry in ClinVar:

NM_000548.5(TSC2):c.1715A>G (p.Gln572Arg)

Gene: TSC2 (TSC complex subunit 2; plus strand). Cytogenetic location: 16p13.3.
Variant type: single nucleotide variant.
Coding change: c.1715A>G on transcript NM_000548.5 (MANE Select); coding-DNA position 1715, A replaced by G.
Protein change: p.Gln572Arg; replaces glutamine 572 with arginine.
Molecular consequence: missense variant. On other transcripts: non-coding transcript variant (5).
Genome position (GRCh38, 1-based): chr16:2,065,634, A>G. VCF-style: chr16-2065634-A-G. GRCh37 (hg19) VCF-style: chr16-2115635-A-G.
Other names: c.1715A>G, p.Gln572Arg (NM_001077183.3, NM_001114382.3, NM_001363528.2 and 6 more transcripts); c.1604A>G, p.Gln535Arg (NM_001318827.2, NM_001406670.1, NM_001406678.1); c.1568A>G, p.Gln523Arg (NM_001318829.2, NM_001406675.1, NM_001406676.1 and 1 more transcripts); c.1115A>G, p.Gln372Arg (NM_001318831.2, NM_001406685.1, NM_001406686.1 and 6 more transcripts); c.1748A>G, p.Gln583Arg (NM_001318832.2); c.1805A>G, p.Gln602Arg (NM_001406667.1, NM_001406668.1); c.1703A>G, p.Gln568Arg (NM_001406671.1, NM_001406673.1); c.371A>G, p.Gln124Arg (NM_001406689.1, NM_001406690.1, NM_001406691.1 and 6 more transcripts); and 3 more; short protein forms Q124R, Q372R, Q38R, Q418R, Q523R, Q535R, Q553R, Q568R.
Identifiers: ClinVar variation 4866101 (VCV004866101.1).

ClinVar aggregate classification (germline): Uncertain significance (1 of 4 stars; one submission).

Conditions:
Hereditary cancer-predisposing syndrome. Also called: Neoplastic Syndromes, Hereditary; Tumor predisposition; Hereditary Cancer Syndrome; Hereditary neoplastic syndrome. Identifiers: Orphanet 140162, MedGen C0027672, MeSH D009386, MONDO:0015356.

gnomAD v4.1: 1 of 1,613,280 alleles (0.000062%); highest among the groups gnomAD compares: African/African-American, 0.0013%; no homozygotes.

Submission:

Ambry Genetics
Classification: Uncertain significance for Hereditary cancer-predisposing syndrome. Last evaluated: 2026-04-26. Review status: criteria provided, single submitter. Criteria: Ambry Variant Classification Scheme 2023. Collection method: clinical testing. Allele origin: germline.
Comment: The p.Q572R variant (also known as c.1715A>G), located in coding exon 15 of the TSC2 gene, results from an A to G substitution at nucleotide position 1715. The glutamine at codon 572 is replaced by arginine, an amino acid with highly similar properties. This amino acid position is conserved. In addition, the in silico prediction for this alteration is inconclusive. Based on the available evidence, the clinical significance of this variant remains unclear.